The following is an entry in ClinVar:

NM_000051.4(ATM):c.9047_9057del (p.Lys3016fs)

Genes: ATM (ATM serine/threonine kinase; plus strand), C11orf65 (chromosome 11 open reading frame 65; minus strand). Cytogenetic location: 11q22.3.
Variant type: Deletion.
Coding change: c.9047_9057del on transcript NM_000051.4 (MANE Select); coding-DNA positions 9047 to 9057, 11 bases deleted (AACTGAAAGGA).
Protein change: p.Lys3016fs; shifts the reading frame from lysine 3016.
Molecular consequence: frameshift variant. On other transcripts: intron variant (2).
Genome position (GRCh38, 1-based): chr11:108,365,384-108,365,394, AACTGAAAGGA deleted; deleting any 11 consecutive bases within chr11:108,365,382-108,365,394 gives the same sequence; the c. name uses the placement nearest the transcript's 3' end. VCF-style (leftmost placement, unchanged base first): chr11-108365381-AGAAACTGAAAG-A. GRCh37 (hg19) VCF-style: chr11-108236108-AGAAACTGAAAG-A.
Other names: c.9047_9057del, p.Lys3016fs (NM_001351834.2); c.640+20528_640+20538del (NM_001330368.2); c.694+20528_694+20538del (NM_001351110.2); c.9047_9057del11 (NM_000051.3); c.9045_9055del (NM_000051.4); short protein forms K3016fs.
Identifiers: ClinVar variation 142954 (VCV000142954.25), dbSNP rs587782847, ClinGen allele CA169859.

ClinVar aggregate classification (germline): Pathogenic/Likely pathogenic. Review status: criteria provided, multiple submitters, no conflicts (2 of 4 stars). 11 submissions from 10 submitters: Pathogenic (7); Likely pathogenic (4). Last evaluated 2025-10-02.

Conditions:
ATM-related cancer predisposition. Also called: ATM-related cancer susceptibility. Identifiers: MedGen CN377759, MONDO:0700270.
Hereditary cancer-predisposing syndrome. Also called: Neoplastic Syndromes, Hereditary; Hereditary Cancer Syndrome; Tumor predisposition; Hereditary neoplastic syndrome. Identifiers: Orphanet 140162, MedGen C0027672, MeSH D009386, MONDO:0015356.
Familial cancer of breast. Also called: BREAST CANCER, FAMILIAL; hereditary breast carcinoma; Hereditary breast cancer. Identifiers: Orphanet 227535, MedGen C0346153, MONDO:0016419, OMIM 114480. Disease mechanism: loss of function.
Ataxia-telangiectasia syndrome (AT). Also called: Ataxia-telangiectasia, complementation group D; AT, COMPLEMENTATION GROUP C; Ataxia-telangiectasia; ATAXIA-TELANGIECTASIA, COMPLEMENTATION GROUP A; ATAXIA-TELANGIECTASIA, FRESNO VARIANT; Ataxia-telangiectasia, complementation group E. Identifiers: Orphanet 100, MedGen C0004135, MONDO:0008840, OMIM 208900.

Submissions (11):

Ambry Genetics
Classification: Pathogenic for Hereditary cancer-predisposing syndrome. Last evaluated: 2025-10-02. Review status: criteria provided, single submitter. Criteria: Ambry Variant Classification Scheme 2023. Collection method: clinical testing. Allele origin: germline.
Comment: The c.9047_9057del11 pathogenic mutation, located in coding exon 62 of the ATM gene, results from a deletion of 11 nucleotides at nucleotide positions 9047 to 9057, causing a translational frameshift with a predicted alternate stop codon (p.K3016Sfs*43). This alteration occurs at the 3' terminus of thegene, is not expected to trigger nonsense-mediated mRNAdecay and results in the elongation of the protein by 1 amino acids. This frameshift impacts the last 41amino acids of the native protein. However, frameshifts are typically deleterious in nature and the impacted region is critical for protein function (Ambry internal data). This frameshift alters the sequence of ATM's FATC domain, a domain important for activation of ATM's kinase activity by DNA damage (Sun Y et al. Mol. Cell. Biol. 2007 Dec;27(24):8502-9; Jiang XJ et al. Biol. Chem. 2006 Jun;281(23):15741-6). This variant is considered to be rare based on population cohorts in the Genome Aggregation Database (gnomAD). Based on the supporting evidence, this variant is interpreted as a disease-causing mutation.

Dasa
Classification: Pathogenic for ATM-related cancer predisposition. Last evaluated: 2025-08-06. Review status: criteria provided, single submitter. Criteria: DASA Assertion Criteria. Collection method: clinical testing. Allele origin: germline.
Comment: NM_000051.4(ATM):c.9047_9057del (p.Lys3016Serfs*43) is a frameshift variant in ATM predicted to alter the reading frame and introduce a premature termination codon and is predicted to result in an absent or altered protein product. Loss of function is an established disease mechanism for ATM (PMID: 3574400; PMID: 27595995; PMID: 15928302). The affected residue or protein region has prior evidence supporting clinical relevance. Also, this variant is absent from population databases. Based on the currently available evidence, this variant is classified as pathogenic.

Labcorp Genetics (formerly Invitae), Labcorp
Classification: Pathogenic for Ataxia-telangiectasia syndrome. Last evaluated: 2025-07-07. Review status: criteria provided, single submitter. Criteria: Invitae Variant Classification Sherloc (09022015). Collection method: clinical testing. Allele origin: germline.
Comment: This sequence change is expected to alter the c-terminus of the ATM protein (p.Lys3016Serfs*43). While this is not anticipated to result in nonsense mediated decay, it is expected to disrupt the last 41 amino acid(s) of the ATM protein and extend the protein by 1 additional amino acid residues. This variant is not present in population databases (gnomAD no frequency). This variant has not been reported in the literature in individuals affected with ATM-related conditions. ClinVar contains an entry for this variant (Variation ID: 142954). Algorithms developed to predict the effect of sequence changes on RNA splicing suggest that this variant may disrupt the consensus splice site. This variant disrupts a region of the ATM protein in which other variant(s) (p.Arg3047*) have been determined to be pathogenic (PMID: 8755918, 10980530, 18560558, 18813293, 19691550, 19781682, 23532176, 26628246). This suggests that this is a clinically significant region of the protein, and that variants that disrupt it are likely to be disease-causing. For these reasons, this variant has been classified as Pathogenic.

GeneDx
Classification: Pathogenic. Last evaluated: 2024-07-29. Review status: criteria provided, single submitter. Criteria: GeneDx Variant Classification Process June 2021. Collection method: clinical testing. Allele origin: germline. Affected: yes.
Comment: Frameshift variant predicted to result in protein truncation in a gene for which loss of function is a known mechanism of disease; Not observed at significant frequency in large population cohorts (gnomAD); Truncating variants in this gene are considered pathogenic by a well-established clinical consortium and/or database; Observed in an individual undergoing panel testing due to suspected hereditary breast and ovarian cancer syndrome (PMID: 33047316); This variant is associated with the following publications: (PMID: 28152038, 15039971, 21965147, 33047316)

Myriad Genetics, Inc.
Classification: Likely pathogenic for Familial cancer of breast. Last evaluated: 2024-02-06. Review status: criteria provided, single submitter. Criteria: Myriad Autosomal Dominant, Autosomal Recessive and X-Linked Classification Criteria (2023). Collection method: clinical testing. Allele origin: unknown.
Comment: This variant is considered likely pathogenic. This variant creates a frameshift predicted to result in the incorporation of abnormal amino acid sequence into the protein product and abnormal protein elongation. This variant has been reported in multiple individuals with clinical features of gene-specific disease [PMID: 15039971, 21965147].

Baylor Genetics
Classification: Likely pathogenic for Familial cancer of breast. Last evaluated: 2023-10-04. Review status: criteria provided, single submitter. Criteria: ACMG Guidelines, 2015. Collection method: clinical testing. Allele origin: unknown.

Dasa
Classification: Pathogenic for Ataxia-telangiectasia syndrome. Last evaluated: 2022-03-05. Review status: criteria provided, single submitter. Criteria: ACMG Guidelines, 2015. Collection method: clinical testing. Allele origin: germline. Affected: yes. Observed: 1 variant allele.
Comment: The c.9047_9057del;p.(Lys3016Serfs*?) is a null frameshift variant (NMD) in the ATM gene and predicts alteration of the nonsense-mediate decay - NMD is present in a relevant exon to the transcript - PVS1. This sequence change has been observed in affected individual(s) and ClinVar contains an entry for this variant (ClinVar ID: 142954)PS4. This variant is not present in population databases (rs587782847- gnomAD; ABraOM no frequency.) - PM2. In summary, the currently available evidence indicates that the variant is pathogenic.

Fulgent Genetics
Classification: Likely pathogenic for Familial cancer of breast; Ataxia-telangiectasia syndrome. Last evaluated: 2021-08-18. Review status: criteria provided, single submitter. Criteria: ACMG Guidelines, 2015. Collection method: clinical testing. Allele origin: unknown.

Color Diagnostics, LLC DBA Color Health
Classification: Pathogenic for Hereditary cancer-predisposing syndrome. Last evaluated: 2020-05-14. Review status: criteria provided, single submitter. Criteria: ACMG Guidelines, 2015. Collection method: clinical testing. Allele origin: germline.
Comment: This variant deletes 11 nucleotides in exon 63 of the ATM gene, creating a frameshift and premature translation stop signal. This variant is expected to result in an absent or non-functional protein product. To our knowledge, this variant has not been reported in individuals affected with hereditary cancer in the literature. This variant has not been identified in the general population by the Genome Aggregation Database (gnomAD). Loss of ATM function is a known mechanism of disease. Based on the available evidence, this variant is classified as Pathogenic.

Laboratorio de Genetica e Diagnostico Molecular, Hospital Israelita Albert Einstein
Classification: Likely pathogenic. Last evaluated: 2020-02-24. Review status: criteria provided, single submitter. Criteria: ACMG Guidelines, 2015. Collection method: clinical testing. Allele origin: germline. Affected: yes.
Comment: ACMG classification criteria: PVS1, PS4, PM2

Genesis Genomics
Classification: Pathogenic for Familial cancer of breast. Review status: criteria provided, single submitter. Criteria: ACMG Guidelines, 2015. Collection method: clinical testing. Allele origin: germline. Affected: yes. Observed: 1 variant allele.

Literature cited by the submitters: PubMed 28152038 (cited by Ambry Genetics); PubMed 3574400 (cited by Dasa); PubMed 27595995 (cited by Dasa); PubMed 15928302 (cited by Dasa); PubMed 8755918 (cited by Labcorp Genetics (formerly Invitae), Labcorp); PubMed 10980530 (cited by Labcorp Genetics (formerly Invitae), Labcorp); PubMed 18560558 (cited by Labcorp Genetics (formerly Invitae), Labcorp); PubMed 18813293 (cited by Labcorp Genetics (formerly Invitae), Labcorp); PubMed 19691550 (cited by Labcorp Genetics (formerly Invitae), Labcorp); PubMed 19781682 (cited by Labcorp Genetics (formerly Invitae), Labcorp); PubMed 23532176 (cited by Labcorp Genetics (formerly Invitae), Labcorp); PubMed 26628246 (cited by Labcorp Genetics (formerly Invitae), Labcorp); PubMed 15039971 (cited by Myriad Genetics, Inc.); PubMed 21965147 (cited by Myriad Genetics, Inc.).